The following is an entry in ClinVar:

NM_001099922.3(ALG13):c.3197A>G (p.Tyr1066Cys)

Gene: ALG13 (ALG13 UDP-N-acetylglucosaminyltransferase subunit; plus strand). Cytogenetic location: Xq23.
Variant type: single nucleotide variant.
Coding change: c.3197A>G on transcript NM_001099922.3 (MANE Select); coding-DNA position 3197, A replaced by G.
Protein change: p.Tyr1066Cys; replaces tyrosine 1066 with cysteine.
Molecular consequence: missense variant. On other transcripts: non-coding transcript variant (1).
Genome position (GRCh38, 1-based): chrX:111,759,782, A>G. VCF-style: chrX-111759782-A-G. GRCh37 (hg19) VCF-style: chrX-111003010-A-G.
Other names: c.2648A>G, p.Tyr883Cys (NM_001257230.2, NM_001257234.2, NM_001257237.2); c.2963A>G, p.Tyr988Cys (NM_001257231.2); c.2960A>G, p.Tyr987Cys (NM_001324292.2); c.2474A>G, p.Tyr825Cys (NM_001324293.1); short protein forms Y1066C, Y825C, Y883C, Y987C, Y988C.
Identifiers: ClinVar variation 1304497 (VCV001304497.7), dbSNP rs1219035683, ClinGen allele CA414293105.

ClinVar aggregate classification (germline): Uncertain significance. Review status: criteria provided, multiple submitters, no conflicts (2 of 4 stars). 3 submissions from 3 submitters: Uncertain significance (3). Last evaluated 2024-07-17.

Conditions:
Developmental and epileptic encephalopathy, 36 (DEE36). Also called: Epileptic encephalopathy, early infantile, 36; Congenital disorder of glycosylation, type Is; ALG13-CDG. Identifiers: Orphanet 324422, MedGen C4317295, MONDO:0010472, OMIM 300884.

Allele frequency attached by ClinVar (database versions not stated): gnomAD exomes below 0.00001 and 0.00001; gnomAD 0.00001; TOPMed 0.00001.
gnomAD v4.1: 2 of 1,206,822 alleles (0.00017%); highest among the groups gnomAD compares: Admixed American, 0.0022%; no homozygotes.

Submissions (3):

Blueprint Genetics
Classification: Uncertain significance. Last evaluated: 2024-07-17. Review status: criteria provided, single submitter. Criteria: ACMG Guidelines, 2015. Collection method: clinical testing. Allele origin: germline.

Labcorp Genetics (formerly Invitae), Labcorp
Classification: Uncertain significance for Developmental and epileptic encephalopathy, 36. Last evaluated: 2021-08-14. Review status: criteria provided, single submitter. Criteria: Invitae Variant Classification Sherloc (09022015). Collection method: clinical testing. Allele origin: germline.
Comment: This sequence change replaces tyrosine with cysteine at codon 1066 of the ALG13 protein (p.Tyr1066Cys). The tyrosine residue is highly conserved and there is a large physicochemical difference between tyrosine and cysteine. This variant is not present in population databases (ExAC no frequency). This variant has not been reported in the literature in individuals affected with ALG13-related conditions. Algorithms developed to predict the effect of missense changes on protein structure and function are either unavailable or do not agree on the potential impact of this missense change (SIFT: "Deleterious"; PolyPhen-2: "Probably Damaging"; Align-GVGD: "Class C0"). In summary, the available evidence is currently insufficient to determine the role of this variant in disease. Therefore, it has been classified as a Variant of Uncertain Significance.

GeneDx
Classification: Uncertain significance. Last evaluated: 2020-01-06. Review status: criteria provided, single submitter. Criteria: GeneDx Variant Classification Process June 2021. Collection method: clinical testing. Allele origin: germline. Affected: yes.
Comment: Not observed at a significant frequency in large population cohorts (Lek et al., 2016); In silico analysis, which includes protein predictors and evolutionary conservation, supports a deleterious effect; Has not been previously published as pathogenic or benign to our knowledge